The following is an entry in ClinVar:

ClinVar aggregate classification (germline): Likely benign (1 of 4 stars; one submission).

Conditions:
Familial adenomatous polyposis 1 (FAP1). Also called: POLYPOSIS, ADENOMATOUS INTESTINAL; FAMILIAL ADENOMATOUS POLYPOSIS 1, ATTENUATED. Identifiers: MedGen C2713442, MONDO:0021056, OMIM 175100. Disease mechanism: loss of function.

Submission:

Myriad Genetics, Inc.
Classification: Likely benign for Familial adenomatous polyposis 1. Last evaluated: 2024-02-26. Review status: criteria provided, single submitter. Criteria: Myriad Autosomal Dominant, Autosomal Recessive and X-Linked Classification Criteria (2023). Collection method: clinical testing. Allele origin: unknown.
Comment: This variant is considered likely benign. This variant is intronic and is not expected to impact mRNA splicing.

NM_000038.6(APC):c.729+8A>C

Gene: APC (APC regulator of Wnt signaling pathway; plus strand). Cytogenetic location: 5q22.2.
Variant type: single nucleotide variant.
Coding change: c.729+8A>C on transcript NM_000038.6 (MANE Select); 8 bases into the intron after coding-DNA position 729, A replaced by C.
Molecular consequence: intron variant.
Genome position (GRCh38, 1-based): chr5:112,792,537, A>C. VCF-style: chr5-112792537-A-C. GRCh37 (hg19) VCF-style: chr5-112128234-A-C.
Other names: c.-307+8A>C (NM_001407470.1, NM_001407472.1, NM_001354906.2 and 1 more transcripts); c.729+8A>C (NM_001407447.1, NM_001354895.2, NM_001407456.1 and 12 more transcripts); c.646-8742A>C (NM_001407452.1, NM_001407469.1, NM_001354899.2 and 1 more transcripts); c.759+8A>C (NM_001407446.1, NM_001354897.2, NM_001354902.2); c.676-8742A>C (NM_001127511.3); c.552+8A>C (NM_001407453.1, NM_001354900.2, NM_001354901.2 and 1 more transcripts); c.654+8A>C (NM_001407451.1, NM_001354898.2, NM_001354904.2).
Identifiers: ClinVar variation 3148161 (VCV003148161.1), dbSNP rs2149684961, ClinGen allele CA2825001308.
Genomic context (GRCh38, chr5:112,792,537, plus strand): 5'-AGGACATACTTCGTATACGACAGCTTTTACAGTCCCAAGCAACAGAAGCAGAGGTTAGTA[A>C]ATTGCCTTTCTTGTTTGTGGGTATAAAAATAGGTAGTTATTCTGAGAAAAGAAAACATGT-3'